The following is an entry in ClinVar:

ClinVar aggregate classification (germline): Uncertain significance (1 of 4 stars; one submission).

Conditions:
Autosomal recessive early-onset Parkinson disease 23. Identifiers: Orphanet 2828, MedGen C4225186, MONDO:0014796, OMIM 616840.

Allele frequency attached by ClinVar (database versions not stated): gnomAD exomes below 0.00001.
gnomAD v4.1: 2 of 1,613,844 alleles (0.00012%); highest among the groups gnomAD compares: Non-Finnish European, 0.00017%; no homozygotes.

Submission:

Neuberg Centre For Genomic Medicine, NCGM
Classification: Uncertain significance for Autosomal recessive early-onset Parkinson disease 23. Review status: criteria provided, single submitter. Criteria: ACMG Guidelines, 2015. Collection method: clinical testing. Allele origin: germline. Inheritance: Autosomal recessive inheritance. Affected: yes.
Comment: The missense variant c.5386G>C (p.Glu1796Gln) in VPS13C gene has not been reported previously as a pathogenic variant nor as a benign variant, to our knowledge. The p.Glu1796Gln variant is novel (not in any individuals) in gnomAD Exomes and 1000 Genomes. The amino acid Glu at position 1796 is changed to a Gln changing protein sequence and it might alter its composition and physico-chemical properties. The amino acid change p.Glu1796Gln in VPS13C is predicted as conserved by GERP++ and PhyloP across 100 vertebrates. For these reasons, this variant has been classified as Uncertain Significance. In the absence of another reportable variant the molecular diagnosis is not confirmed.

NM_020821.3(VPS13C):c.5386G>C (p.Glu1796Gln)

Gene: VPS13C (vacuolar protein sorting 13 homolog C; minus strand). Cytogenetic location: 15q22.2.
Variant type: single nucleotide variant.
Coding change: c.5386G>C on transcript NM_020821.3 (MANE Select); coding-DNA position 5386, G replaced by C.
Protein change: p.Glu1796Gln; replaces glutamic acid 1796 with glutamine.
Molecular consequence: missense variant.
Genome position (GRCh38, 1-based): chr15:61,941,830, C>G on the plus strand (G>C on the coding strand, the complement: VPS13C is on the minus strand). VCF-style: chr15-61941830-C-G. GRCh37 (hg19) VCF-style: chr15-62234029-C-G.
Other names: c.5386G>C, p.Glu1796Gln (NM_001018088.3); c.5257G>C, p.Glu1753Gln (NM_017684.5, NM_018080.4); short protein forms E1753Q, E1796Q.
Identifiers: ClinVar variation 2585026 (VCV002585026.1), dbSNP rs150132757, ClinGen allele CA392690553.
Genomic context (GRCh38, chr15:61,941,830, plus strand): 5'-GCTTCAACTGAGTGAGTTCGATGTTCATTTTATCAATGACTGGAGGAAGAGAATAATGTT[C>G]CATAGGAACCAAGCTAAACTTGTTTTCAACTCTGATTAAACCCAGATCTGCTATAACAGC-3'
Protein context (NP_065872.1, residues 1786-1806): VENKFSLVPM[Glu1796Gln]HYSLPPVIDK